The following is an entry in ClinVar:

NM_000329.3(RPE65):c.744C>A (p.Asn248Lys)

Gene: RPE65 (retinoid isomerohydrolase RPE65; minus strand). Cytogenetic location: 1p31.3.
Variant type: single nucleotide variant.
Coding change: c.744C>A on transcript NM_000329.3 (MANE Select); coding-DNA position 744, C replaced by A.
Protein change: p.Asn248Lys; replaces asparagine 248 with lysine.
Molecular consequence: missense variant.
Genome position (GRCh38, 1-based): chr1:68,439,305, G>T on the plus strand (C>A on the coding strand, the complement: RPE65 is on the minus strand). VCF-style: chr1-68439305-G-T. GRCh37 (hg19) VCF-style: chr1-68904988-G-T.
Other names: short protein forms N248K.
Identifiers: ClinVar variation 971891 (VCV000971891.10), dbSNP rs1343005273, ClinGen allele CA340745855.

ClinVar aggregate classification (germline): Uncertain significance. Review status: criteria provided, multiple submitters, no conflicts (2 of 4 stars). 5 submissions from 5 submitters: Uncertain significance (4). 1 of the submissions does not count toward it. Last evaluated 2026-08-28.

Conditions:
Inborn genetic diseases. Identifiers: MedGen C0950123, MeSH D030342.
RPE65-related disorder. Also called: RPE65-related disorders; RPE65-related condition. Identifiers: MedGen CN239301.
Leber congenital amaurosis 2 (LCA2). Also called: Autosomal Recessive RPE65-Related Retinal Degeneration; AMAUROSIS CONGENITA OF LEBER II. Identifiers: Orphanet 65, MedGen C1859844, MONDO:0008765, OMIM 204100. Disease mechanism: loss of function.
Retinitis pigmentosa 20 (RP20). Identifiers: Orphanet 791, MedGen C3151086, MONDO:0013425, OMIM 613794.
Leber congenital amaurosis (LCA). Also called: Leber's amaurosis. Identifiers: Orphanet 65, MedGen C0339527, MeSH D057130, MONDO:0018998.

Allele frequency attached by ClinVar (database versions not stated): gnomAD 0.00001; TOPMed 0.00001.
gnomAD v4.1: 12 of 1,613,662 alleles (0.00074%); highest among the groups gnomAD compares: Non-Finnish European, 0.001%; no homozygotes.

Submissions (5):

PreventionGenetics, part of Exact Sciences
Classification: Uncertain significance for RPE65-related condition. Last evaluated: 2026-08-28. Review status: criteria provided, single submitter. Criteria: ACMG Guidelines, 2015. Collection method: clinical testing. Allele origin: germline.
Comment: The RPE65 c.744C>A variant is predicted to result in the amino acid substitution p.Asn248Lys. To our knowledge, this variant has not been reported in the literature. This variant is reported in 0.0065% of alleles in individuals of European (Non-Finnish) descent in gnomAD. At this time, the clinical significance of this variant is uncertain due to the absence of conclusive functional and genetic evidence.

Labcorp Genetics (formerly Invitae), Labcorp
Classification: Uncertain significance for Leber congenital amaurosis 2; Retinitis pigmentosa 20. Last evaluated: 2025-12-08. Review status: criteria provided, single submitter. Criteria: Invitae Variant Classification Sherloc (09022015). Collection method: clinical testing. Allele origin: germline.
Comment: This sequence change replaces asparagine, which is neutral and polar, with lysine, which is basic and polar, at codon 248 of the RPE65 protein (p.Asn248Lys). This variant is present in population databases (no rsID available, gnomAD 0.007%). This variant has not been reported in the literature in individuals affected with RPE65-related conditions. ClinVar contains an entry for this variant (Variation ID: 971891). Invitae Evidence Modeling of protein sequence and biophysical properties (such as structural, functional, and spatial information, amino acid conservation, physicochemical variation, residue mobility, and thermodynamic stability) indicates that this missense variant is not expected to disrupt RPE65 protein function with a negative predictive value of 80%. In summary, the available evidence is currently insufficient to determine the role of this variant in disease. Therefore, it has been classified as a Variant of Uncertain Significance.

Ambry Genetics
Classification: Uncertain significance for Inborn genetic diseases. Last evaluated: 2023-03-01. Review status: criteria provided, single submitter. Criteria: Ambry Variant Classification Scheme 2023. Collection method: clinical testing. Allele origin: germline.

Blueprint Genetics
Classification: Uncertain significance. Last evaluated: 2022-07-12. Review status: criteria provided, single submitter. Criteria: ACMG Guidelines, 2015. Collection method: clinical testing. Allele origin: germline.

Natera, Inc.
Classification: Uncertain significance for Leber congenital amaurosis. Last evaluated: 2020-08-13. Review status: no assertion criteria provided. Collection method: clinical testing. Allele origin: germline. Not counted in ClinVar's aggregate classification.